The following is an entry in ClinVar:

NM_002303.6(LEPR):c.1373C>T (p.Ala458Val)

Gene: LEPR (leptin receptor; plus strand). Cytogenetic location: 1p31.3.
Variant type: single nucleotide variant.
Coding change: c.1373C>T on transcript NM_002303.6 (MANE Select); coding-DNA position 1373, C replaced by T.
Protein change: p.Ala458Val; replaces alanine 458 with valine.
Molecular consequence: missense variant.
Genome position (GRCh38, 1-based): chr1:65,601,930, C>T. VCF-style: chr1-65601930-C-T. GRCh37 (hg19) VCF-style: chr1-66067613-C-T.
Other names: c.1373C>T, p.Ala458Val (NM_001003679.3, NM_001003680.3, NM_001198687.2 and 2 more transcripts); short protein forms A458V.
Identifiers: ClinVar variation 2065970 (VCV002065970.7), dbSNP rs138922570, ClinGen allele CA894783.
Genomic context (GRCh38, chr1:65,601,930, plus strand): 5'-CTGATGGGTACTTAACTAAAATGACTTGCAGATGGTCAACCAGTACAATCCAGTCACTTG[C>T]GGAAAGCACTTTGCAATTGAGGTATCATAGGTACGTATTATTTTTGCTGTTTTGTTTTTC-3'
Protein context (NP_002294.2, residues 448-468): RWSTSTIQSL[Ala458Val]ESTLQLRYHR

ClinVar aggregate classification (germline): Conflicting classifications of pathogenicity. Review status: criteria provided, conflicting classifications (1 of 4 stars). 3 submissions from 3 submitters: Uncertain significance (1); Likely benign (2). Last evaluated 2026-08-06.

Conditions:
LEPR-related disorder. Also called: LEPR-related disorders; LEPR-related condition.
Inborn genetic diseases. Identifiers: MedGen C0950123, MeSH D030342.

Allele frequency attached by ClinVar (database versions not stated): ESP Exome Variant Server 0.00008; gnomAD 0.00011.
gnomAD v4.1: 39 of 1,613,410 alleles (0.0024%); highest among the groups gnomAD compares: African/African-American, 0.04%; no homozygotes.

Submissions (3):

PreventionGenetics, part of Exact Sciences
Classification: Uncertain significance for LEPR-related condition. Last evaluated: 2026-08-06. Review status: criteria provided, single submitter. Criteria: ACMG Guidelines, 2015. Collection method: clinical testing. Allele origin: germline.
Comment: The LEPR c.1373C>T variant is predicted to result in the amino acid substitution p.Ala458Val. This variant was observed in a cohort of obese individuals, and in vitro functional studies show suggestive evidence of loss of function (Table 3 and Supplemental Data Set, Shah et al. 2023. PubMed ID: 36864747). This variant is reported in 0.048% of alleles in individuals of African descent in gnomAD. Although we suspect that this variant may be pathogenic, at this time, the clinical significance of this variant is uncertain due to the absence of conclusive functional and genetic evidence.

Labcorp Genetics (formerly Invitae), Labcorp
Classification: Likely benign. Last evaluated: 2024-01-17. Review status: criteria provided, single submitter. Criteria: Invitae Variant Classification Sherloc (09022015). Collection method: clinical testing. Allele origin: germline.

Ambry Genetics
Classification: Likely benign for Inborn genetic diseases. Last evaluated: 2022-11-07. Review status: criteria provided, single submitter. Criteria: Ambry Variant Classification Scheme 2023. Collection method: clinical testing. Allele origin: germline.